The following is an entry in ClinVar:

ClinVar aggregate classification (germline): Conflicting classifications of pathogenicity. Review status: criteria provided, conflicting classifications (1 of 4 stars). 3 submissions from 3 submitters: Uncertain significance (2); Likely benign (1). Last evaluated 2025-09-26.

Conditions:
Intellectual developmental disorder, X-linked 50. Also called: MRX50; Intellectual disability, X-linked 50. Identifiers: Orphanet 777, MedGen C1848087, MONDO:0010251, OMIM 300115.
Epilepsy, X-linked 1, with variable learning disabilities and behavior disorders. Also called: X-linked epilepsy-learning disabilities-behavior disorders syndrome. Identifiers: Orphanet 85294, MedGen C5774177, MONDO:0010339, OMIM 300491.
Inborn genetic diseases. Identifiers: MedGen C0950123, MeSH D030342.

Allele frequency attached by ClinVar (database versions not stated): gnomAD 0.00001; gnomAD exomes 0.00001; TOPMed 0.00002.
gnomAD v4.1: 8 of 1,080,974 alleles (0.00074%); highest among the groups gnomAD compares: Non-Finnish European, 0.00084%; no homozygotes.

Submissions (3):

Ambry Genetics
Classification: Uncertain significance for Inborn genetic diseases. Last evaluated: 2025-09-26. Review status: criteria provided, single submitter. Criteria: Ambry Variant Classification Scheme 2023. Collection method: clinical testing. Allele origin: germline.

Labcorp Genetics (formerly Invitae), Labcorp
Classification: Uncertain significance for Epilepsy, X-linked 1, with variable learning disabilities and behavior disorders. Last evaluated: 2024-08-13. Review status: criteria provided, single submitter. Criteria: Invitae Variant Classification Sherloc (09022015). Collection method: clinical testing. Allele origin: germline.
Comment: This sequence change replaces serine, which is neutral and polar, with leucine, which is neutral and non-polar, at codon 494 of the SYN1 protein (p.Ser494Leu). This variant is not present in population databases (gnomAD no frequency). This variant has not been reported in the literature in individuals affected with SYN1-related conditions. ClinVar contains an entry for this variant (Variation ID: 2554777). Experimental studies and prediction algorithms are not available or were not evaluated, and the functional significance of this variant is currently unknown. In summary, the available evidence is currently insufficient to determine the role of this variant in disease. Therefore, it has been classified as a Variant of Uncertain Significance.

Juno Genomics, Hangzhou Juno Genomics, Inc
Classification: Likely benign for Epilepsy, X-linked 1, with variable learning disabilities and behavior disorders; Intellectual developmental disorder, X-linked 50. Review status: criteria provided, single submitter. Criteria: ACMG Guidelines, 2015. Collection method: clinical testing. Allele origin: germline.
Comment: Absent from controls (or at extremely low frequency if recessive) in Genome Aggregation Database.;Multiple lines of computational evidence suggest no impact on gene or gene product.

NM_006950.3(SYN1):c.1481C>T (p.Ser494Leu)

Gene: SYN1 (synapsin I; minus strand). Cytogenetic location: Xp11.3.
Variant type: single nucleotide variant.
Coding change: c.1481C>T on transcript NM_006950.3 (MANE Select); coding-DNA position 1481, C replaced by T.
Protein change: p.Ser494Leu; replaces serine 494 with leucine.
Molecular consequence: missense variant.
Genome position (GRCh38, 1-based): chrX:47,574,503, G>A on the plus strand (C>T on the coding strand, the complement: SYN1 is on the minus strand). VCF-style: chrX-47574503-G-A. GRCh37 (hg19) VCF-style: chrX-47433902-G-A.
Other names: c.1481C>T, p.Ser494Leu (NM_133499.2); short protein forms S494L.
Identifiers: ClinVar variation 2554777 (VCV002554777.7), dbSNP rs973608780, ClinGen allele CA329057383.